The following is an entry in ClinVar:

NM_015512.5(DNAH1):c.1172A>G (p.Tyr391Cys)

Gene: DNAH1 (dynein axonemal heavy chain 1; plus strand). Cytogenetic location: 3p21.1.
Variant type: single nucleotide variant.
Coding change: c.1172A>G on transcript NM_015512.5 (MANE Select); coding-DNA position 1172, A replaced by G.
Protein change: p.Tyr391Cys; replaces tyrosine 391 with cysteine.
Molecular consequence: missense variant.
Genome position (GRCh38, 1-based): chr3:52,332,280, A>G. VCF-style: chr3-52332280-A-G. GRCh37 (hg19) VCF-style: chr3-52366296-A-G.
Other names: p.Tyr391Cys; short protein forms Y391C.
Identifiers: ClinVar variation 478403 (VCV000478403.22), dbSNP rs181418923, ClinGen allele CA2432893.
Genomic context (GRCh38, chr3:52,332,280, plus strand): 5'-TCGCACAACGTGTGGTCCAGGCCAACGCCCTGCGCAAGAACACGGAAGCACTGCTGCTCT[A>G]CAACTTGTATGTGGACTGCATGCCCTCTGACGGCCAGCATGTCATCAGTGAACAGAGCCT-3'
Protein context (NP_056327.4, residues 381-401): LRKNTEALLL[Tyr391Cys]NLYVDCMPSD

ClinVar aggregate classification (germline): Benign/Likely benign. Review status: criteria provided, multiple submitters, no conflicts (2 of 4 stars). 4 submissions from 4 submitters: Benign (1); Likely benign (3). Last evaluated 2026-01-29.

Conditions:
Spermatogenic failure 18. Identifiers: MedGen C4539783, MONDO:0054615, OMIM 617576.
Ciliary dyskinesia, primary, 37 (CILD37). Also called: CILIARY DYSKINESIA, PRIMARY, 37, WITH OR WITHOUT SITUS INVERSUS. Identifiers: MedGen C4539798, MONDO:0033204, OMIM 617577.

Allele frequency attached by ClinVar (database versions not stated): 1000 Genomes Project 30x 0.00062; 1000 Genomes Project 0.00080; TOPMed 0.00187; ExAC 0.00235; gnomAD 0.00261 and 0.00270; ESP Exome Variant Server 0.00272; gnomAD exomes 0.00307.
gnomAD v4.1: 4,877 of 1,614,064 alleles (0.3%); highest among the groups gnomAD compares: Non-Finnish European, 0.33%; 18 homozygotes.

Submissions (4):

Labcorp Genetics (formerly Invitae), Labcorp
Classification: Benign for Ciliary dyskinesia, primary, 37; Spermatogenic failure 18. Last evaluated: 2026-01-29. Review status: criteria provided, single submitter. Criteria: Invitae Variant Classification Sherloc (09022015). Collection method: clinical testing. Allele origin: germline.

ARUP Laboratories, Molecular Genetics and Genomics, ARUP Laboratories
Classification: Likely benign. Last evaluated: 2025-07-29. Review status: criteria provided, single submitter. Criteria: ARUP Molecular Germline Variant Investigation Process 2024. Collection method: clinical testing. Allele origin: germline.

CeGaT Center for Human Genetics Tuebingen
Classification: Likely benign. Last evaluated: 2025-06-01. Review status: criteria provided, single submitter. Criteria: CeGaT Center For Human Genetics Tuebingen Variant Classification Criteria Version 2. Collection method: clinical testing. Allele origin: germline. Affected: yes. Observed: 1 variant allele.
Comment: DNAH1: BS2

Mayo Clinic Laboratories, Mayo Clinic
Classification: Likely benign. Last evaluated: 2024-12-18. Review status: criteria provided, single submitter. Criteria: ACMG Guidelines, 2015. Collection method: clinical testing. Allele origin: germline. Observed: 1 variant allele.
Comment: BS1, BS2_supporting, BP4